The following is an entry in ClinVar:

ClinVar aggregate classification (germline): Uncertain significance (1 of 4 stars; one submission).

Allele frequency attached by ClinVar (database versions not stated): gnomAD exomes below 0.00001.

Submission:

GeneDx
Classification: Uncertain significance. Last evaluated: 2023-03-02. Review status: criteria provided, single submitter. Criteria: GeneDx Variant Classification Process June 2021. Collection method: clinical testing. Allele origin: germline. Affected: yes.
Comment: Not observed at significant frequency in large population cohorts (gnomAD); In silico analysis supports that this missense variant does not alter protein structure/function; Has not been previously published as pathogenic or benign to our knowledge

NM_003923.3(FOXH1):c.652C>T (p.Pro218Ser)

Gene: FOXH1 (forkhead box H1; minus strand). Cytogenetic location: 8q24.3.
Variant type: single nucleotide variant.
Coding change: c.652C>T on transcript NM_003923.3 (MANE Select); coding-DNA position 652, C replaced by T.
Protein change: p.Pro218Ser; replaces proline 218 with serine.
Molecular consequence: missense variant.
Genome position (GRCh38, 1-based): chr8:144,474,684, G>A on the plus strand (C>T on the coding strand, the complement: FOXH1 is on the minus strand). VCF-style: chr8-144474684-G-A. GRCh37 (hg19) VCF-style: chr8-145700067-G-A.
Other names: short protein forms P218S.
Identifiers: ClinVar variation 2578077 (VCV002578077.1), dbSNP rs2537639086, ClinGen allele CA372724070.